The following is an entry in ClinVar:

NM_001244710.2(GFPT1):c.606-3C>T

Gene: GFPT1 (glutamine--fructose-6-phosphate transaminase 1; minus strand). Cytogenetic location: 2p13.3.
Variant type: single nucleotide variant.
Coding change: c.606-3C>T on transcript NM_001244710.2 (MANE Select); 3 bases into the intron before coding-DNA position 606, C replaced by T.
Molecular consequence: intron variant.
Genome position (GRCh38, 1-based): chr2:69,354,571, G>A on the plus strand (C>T on the coding strand, the complement: GFPT1 is on the minus strand). VCF-style: chr2-69354571-G-A. GRCh37 (hg19) VCF-style: chr2-69581703-G-A.
Other names: c.606-3C>T (NM_002056.4).
Identifiers: ClinVar variation 473135 (VCV000473135.6), dbSNP rs1286081479, ClinGen allele CA658657038.

ClinVar aggregate classification (germline): Uncertain significance (1 of 4 stars; one submission).

Conditions:
Congenital myasthenic syndrome 12 (CMS12). Also called: MYASTHENIC SYNDROME, CONGENITAL, WITH TUBULAR AGGREGATES 1; Myasthenia, congenital, 12, with tubular aggregates. Identifiers: Orphanet 353327, Orphanet 590, MedGen C3552335, MONDO:0012518, OMIM 610542.

Allele frequency attached by ClinVar (database versions not stated): gnomAD 0.00001; TOPMed 0.00002.
gnomAD v4.1: 7 of 1,593,144 alleles (0.00044%); highest among the groups gnomAD compares: South Asian, 0.0011%; no homozygotes.

Submission:

Labcorp Genetics (formerly Invitae), Labcorp
Classification: Uncertain significance for Congenital myasthenic syndrome 12. Last evaluated: 2022-07-18. Review status: criteria provided, single submitter. Criteria: Invitae Variant Classification Sherloc (09022015). Collection method: clinical testing. Allele origin: germline.
Comment: This sequence change falls in intron 7 of the GFPT1 gene. It does not directly change the encoded amino acid sequence of the GFPT1 protein. It affects a nucleotide within the consensus splice site. This variant is not present in population databases (gnomAD no frequency). This variant has not been reported in the literature in individuals affected with GFPT1-related conditions. ClinVar contains an entry for this variant (Variation ID: 473135). Variants that disrupt the consensus splice site are a relatively common cause of aberrant splicing (PMID: 17576681, 9536098). Algorithms developed to predict the effect of sequence changes on RNA splicing suggest that this variant may disrupt the consensus splice site. In summary, the available evidence is currently insufficient to determine the role of this variant in disease. Therefore, it has been classified as a Variant of Uncertain Significance.

Literature cited by the submitters: PubMed 17576681; PubMed 9536098.